The following is an entry in ClinVar:

ClinVar aggregate classification (germline): Uncertain significance. Review status: criteria provided, multiple submitters, no conflicts (2 of 4 stars). 8 submissions from 8 submitters: Uncertain significance (8). Last evaluated 2026-07-30.

Conditions:
Hereditary cancer-predisposing syndrome. Also called: Hereditary neoplastic syndrome; Tumor predisposition; Hereditary Cancer Syndrome; Neoplastic Syndromes, Hereditary. Identifiers: Orphanet 140162, MedGen C0027672, MeSH D009386, MONDO:0015356.
Dilated cardiomyopathy 1GG (CMD1GG). Identifiers: Orphanet 154, MedGen C3150898, MONDO:0013339, OMIM 613642.
SDHA-related disorder. Also called: SDHA-related disorders; SDHA-related condition.
Mitochondrial complex II deficiency, nuclear type 1. Also called: SUCCINATE CoQ REDUCTASE DEFICIENCY. Identifiers: Orphanet 3208, MedGen C5700310, MONDO:0100294, OMIM 252011.
Pheochromocytoma/paraganglioma syndrome 5. Also called: Paragangliomas 5; SDHA-Related Hereditary Paraganglioma-Pheochromocytoma Syndrome. Identifiers: Orphanet 29072, MedGen C3279992, MONDO:0013602, OMIM 614165.

Allele frequency attached by ClinVar (database versions not stated): TOPMed 0.00007; gnomAD exomes 0.00004 and 0.00013; ExAC 0.00005; gnomAD 0.00007 and 0.00008; ESP Exome Variant Server 0.00008.
gnomAD v4.1: 188 of 1,607,996 alleles (0.012%); highest among the groups gnomAD compares: Non-Finnish European, 0.015%; no homozygotes.

Submissions (8):

GeneDx
Classification: Uncertain significance. Last evaluated: 2026-07-30. Review status: criteria provided, single submitter. Criteria: GeneDx Variant Classification Process June 2021. Collection method: clinical testing. Allele origin: germline.
Comment: Identified as a single heterozygous finding in a child with epilepsy, progressive spasticity, and neurodegeneration as well as abnormal brain MRI and MRS findings (PMID: 37575640); Observed in an individual with an SDH-deficient GIST (PMID: 27011036); Not observed at significant frequency in large population cohorts (gnomAD); In silico analysis supports that this missense variant has a deleterious effect on protein structure/function; This variant is associated with the following publications: (PMID: 36980917, 37575640, 27011036)

PreventionGenetics, part of Exact Sciences
Classification: Uncertain significance for SDHA-related condition. Last evaluated: 2026-05-28. Review status: criteria provided, single submitter. Criteria: ACMG Guidelines, 2015. Collection method: clinical testing. Allele origin: germline.
Comment: The SDHA c.1532T>C variant is predicted to result in the amino acid substitution p.Leu511Pro. This variant has been reported in the germline and in a tumor specimen from an individual with a gastrointestinal stromal tumor (eTable 1, Boikos et al. 2016. PubMed ID: 27011036). This variant is reported in 0.0093% of alleles in individuals of European (Non-Finnish) descent in gnomAD and is interpreted as uncertain significance in ClinVar (Variation ID: 239650). At this time, the clinical significance of this variant is uncertain due to the absence of conclusive functional and genetic evidence.

Labcorp Genetics (formerly Invitae), Labcorp
Classification: Uncertain significance for Pheochromocytoma/paraganglioma syndrome 5; Mitochondrial complex II deficiency, nuclear type 1. Last evaluated: 2026-01-27. Review status: criteria provided, single submitter. Criteria: Invitae Variant Classification Sherloc (09022015). Collection method: clinical testing. Allele origin: germline.
Comment: This sequence change replaces leucine, which is neutral and non-polar, with proline, which is neutral and non-polar, at codon 511 of the SDHA protein (p.Leu511Pro). This variant is present in population databases (rs375194444, gnomAD 0.01%). This missense change has been observed in individuals with gastrointestinal stromal tumor (GIST) and/or SDHA-related conditions (PMID: 27011036, 37575640; internal data). ClinVar contains an entry for this variant (Variation ID: 239650). Invitae Evidence Modeling of protein sequence and biophysical properties (such as structural, functional, and spatial information, amino acid conservation, physicochemical variation, residue mobility, and thermodynamic stability) has been performed for this missense variant. However, the output from this modeling did not meet the statistical confidence thresholds required to predict the impact of this variant on SDHA protein function. In summary, the available evidence is currently insufficient to determine the role of this variant in disease. Therefore, it has been classified as a Variant of Uncertain Significance.

Ambry Genetics
Classification: Uncertain significance for Hereditary cancer-predisposing syndrome. Last evaluated: 2025-09-09. Review status: criteria provided, single submitter. Criteria: Ambry Variant Classification Scheme 2023. Collection method: clinical testing. Allele origin: germline.
Comment: The p.L511P variant (also known as c.1532T>C), located in coding exon 11 of the SDHA gene, results from a T to C substitution at nucleotide position 1532. The leucine at codon 511 is replaced by proline, an amino acid with similar properties. This amino acid position is not well conserved in available vertebrate species. In addition, this alteration is predicted to be deleterious by in silico analysis. Based on the available evidence, the clinical significance of this variant remains unclear.

Baylor Genetics
Classification: Uncertain significance for Dilated cardiomyopathy 1GG. Last evaluated: 2024-03-24. Review status: criteria provided, single submitter. Criteria: ACMG Guidelines, 2015. Collection method: clinical testing. Allele origin: unknown.

Quest Diagnostics Nichols Institute San Juan Capistrano
Classification: Uncertain significance. Last evaluated: 2024-02-06. Review status: criteria provided, single submitter. Criteria: Quest Diagnostics criteria. Collection method: clinical testing. Allele origin: unknown.
Comment: The SDHA c.1532T>C (p.Leu511Pro) variant has been reported in the published literature in at least one individual with an SDH-deficient gastrointestinal stromal tumor (PMID: 27011036 (2016)). The frequency of this variant in the general population, 0.000093 (12/128506 chromosomes (Genome Aggregation Database)), is uninformative in the assessment of its pathogenicity. Analysis of this variant using bioinformatics tools for the prediction of the effect of amino acid changes on protein structure and function yielded conflicting predictions that this variant is benign or damaging. Based on the available information, we are unable to determine the clinical significance of this variant.

Blueprint Genetics
Classification: Uncertain significance. Last evaluated: 2023-09-22. Review status: criteria provided, single submitter. Criteria: ACMG Guidelines, 2015. Collection method: clinical testing. Allele origin: germline.

Sema4
Classification: Uncertain significance for Hereditary cancer-predisposing syndrome. Last evaluated: 2022-03-12. Review status: criteria provided, single submitter. Criteria: Sema4 Curation Guidelines. Collection method: curation. Allele origin: germline.
Comment: The SDHA c.1532T>C (p.L511P) variant has been reported in one individual with gastrointestinal stromal tumors (PMID: 27011036). This variant was observed in 12/128506 chromosomes in the Non-Finnish European population, according to the Genome Aggregation Database (PMID: 32461654) and has been reported in ClinVar (Variation ID: 239650). Functional studies have not been performed, and in silico predictions of the variant's effect on protein function are inconclusive. Based on the current evidence available, this variant is interpreted as a variant of uncertain significance.

Literature cited by the submitters: PubMed 27011036 (cited by 3 submitters); PubMed 37575640 (cited by Labcorp Genetics (formerly Invitae), Labcorp and Quest Diagnostics Nichols Institute San Juan Capistrano); PubMed 27535533 (cited by Ambry Genetics); PubMed 36980917 (cited by Quest Diagnostics Nichols Institute San Juan Capistrano).

NM_004168.4(SDHA):c.1532T>C (p.Leu511Pro)

Gene: SDHA (succinate dehydrogenase complex flavoprotein subunit A; plus strand). Cytogenetic location: 5p15.33.
Variant type: single nucleotide variant.
Coding change: c.1532T>C on transcript NM_004168.4 (MANE Select); coding-DNA position 1532, T replaced by C.
Protein change: p.Leu511Pro; replaces leucine 511 with proline.
Molecular consequence: missense variant.
Genome position (GRCh38, 1-based): chr5:240,457, T>C. VCF-style: chr5-240457-T-C. GRCh37 (hg19) VCF-style: chr5-240572-T-C.
Other names: c.1388T>C, p.Leu463Pro (NM_001294332.2); c.1532T>C, p.Leu511Pro (NM_001330758.2); short protein forms L511P, L463P.
Identifiers: ClinVar variation 239650 (VCV000239650.31), dbSNP rs375194444, ClinGen allele CA3173268.